The following is an entry in ClinVar:

NM_194248.3(OTOF):c.*650C>A

Gene: OTOF (otoferlin; minus strand). Cytogenetic location: 2p23.3.
Variant type: single nucleotide variant.
Coding change: c.*650C>A on transcript NM_194248.3 (MANE Select); 650 bases downstream of the stop codon, C replaced by A.
Molecular consequence: 3 prime UTR variant.
Genome position (GRCh38, 1-based): chr2:26,457,588, G>T on the plus strand (C>A on the coding strand, the complement: OTOF is on the minus strand). VCF-style: chr2-26457588-G-T. GRCh37 (hg19) VCF-style: chr2-26680456-G-T.
Other names: c.*452C>A (NM_001287489.2, NM_194323.3); c.*650C>A (NM_004802.4, NM_194322.3).
Identifiers: ClinVar variation 335424 (VCV000335424.5), dbSNP rs57941637, ClinGen allele CA10615088.

ClinVar aggregate classification (germline): Likely benign (1 of 4 stars; one submission).

Conditions:
Autosomal recessive nonsyndromic hearing loss 9. Also called: Deafness, autosomal recessive 9; NEUROSENSORY NONSYNDROMIC RECESSIVE DEAFNESS 9; OTOF-Related Hearing Loss; AUDITORY NEUROPATHY, AUTOSOMAL RECESSIVE, 1, TEMPERATURE-SENSITIVE. Identifiers: Orphanet 90636, MedGen C1832828, MONDO:0010986, OMIM 601071.

Allele frequency attached by ClinVar (database versions not stated): gnomAD exomes 0.00321; gnomAD 0.03069 and 0.03295; 1000 Genomes Project 0.03115; 1000 Genomes Project 30x 0.03248; TOPMed 0.03453.
gnomAD v4.1: 4,653 of 160,832 alleles (2.9%); highest among the groups gnomAD compares: African/African-American, 10%; 224 homozygotes.

Submission:

Illumina Laboratory Services, Illumina
Classification: Likely benign for Autosomal recessive nonsyndromic hearing loss 9. Last evaluated: 2018-01-12. Review status: criteria provided, single submitter. Criteria: ICSL Variant Classification Criteria 13 December 2019. Collection method: clinical testing. Allele origin: germline.
Comment: This variant was observed in the ICSL laboratory as part of a predisposition screen in an ostensibly healthy population. It had not been previously curated by ICSL or reported in the Human Gene Mutation Database (HGMD: prior to June 1st, 2018), and was therefore a candidate for classification through an automated scoring system. Utilizing variant allele frequency, disease prevalence and penetrance estimates, and inheritance mode, an automated score was calculated to assess if this variant is too frequent to cause the disease. Based on the score and internal cut-off values, a variant classified as likely benign is not then subjected to further curation. The score for this variant resulted in a classification of likely benign for this disease.